The following is an entry in ClinVar:

ClinVar aggregate classification (germline): Uncertain significance (1 of 4 stars; one submission).

Conditions:
Osteogenesis imperfecta type I (OI1). Also called: Lobstein's Disease; Classic Non-deforming Osteogenesis Imperfecta with Blue Sclerae; Lobstein disease; OI, TYPE I; OSTEOGENESIS IMPERFECTA TARDA; OSTEOGENESIS IMPERFECTA WITH BLUE SCLERAE. Identifiers: Orphanet 216796, Orphanet 666, MedGen C0023931, MONDO:0008146, OMIM 166200. Disease mechanism: loss of function.
Ehlers-Danlos syndrome, classic type, 1 (EDSCL1). Also called: Ehlers-Danlos syndrome, type 1; Ehlers-Danlos Syndrome, Classic Type, COL5A1-Related; EDS I; EHLERS-DANLOS SYNDROME, GRAVIS TYPE; EHLERS-DANLOS SYNDROME, SEVERE CLASSIC TYPE. Identifiers: MedGen C0268335, MONDO:0019567, OMIM 130000.

Allele frequency attached by ClinVar (database versions not stated): ESP Exome Variant Server 0.00008.
gnomAD v4.1: 2 of 1,602,960 alleles (0.00012%); highest among the groups gnomAD compares: Non-Finnish European, 0.00017%; no homozygotes.

Submission:

Labcorp Genetics (formerly Invitae), Labcorp
Classification: Uncertain significance for Osteogenesis imperfecta type I; Ehlers-Danlos syndrome, classic type, 1. Last evaluated: 2026-01-11. Review status: criteria provided, single submitter. Criteria: Invitae Variant Classification Sherloc (09022015). Collection method: clinical testing. Allele origin: germline.
Comment: This sequence change replaces serine, which is neutral and polar, with isoleucine, which is neutral and non-polar, at codon 426 of the COL1A2 protein (p.Ser426Ile). This variant is present in population databases (rs376629202, gnomAD 0.001%). This missense change has been observed in individual(s) with joint hypermobility (PMID: 37079061). ClinVar contains an entry for this variant (Variation ID: 837005). Invitae Evidence Modeling of protein sequence and biophysical properties (such as structural, functional, and spatial information, amino acid conservation, physicochemical variation, residue mobility, and thermodynamic stability) indicates that this missense variant is not expected to disrupt COL1A2 protein function with a negative predictive value of 95%. In summary, the available evidence is currently insufficient to determine the role of this variant in disease. Therefore, it has been classified as a Variant of Uncertain Significance.

Literature cited by the submitters: PubMed 37079061.

NM_000089.4(COL1A2):c.1277G>T (p.Ser426Ile)

Gene: COL1A2 (collagen type I alpha 2 chain; plus strand). Cytogenetic location: 7q21.3.
Variant type: single nucleotide variant.
Coding change: c.1277G>T on transcript NM_000089.4 (MANE Select); coding-DNA position 1277, G replaced by T.
Protein change: p.Ser426Ile; replaces serine 426 with isoleucine.
Molecular consequence: missense variant.
Genome position (GRCh38, 1-based): chr7:94,411,081, G>T. VCF-style: chr7-94411081-G-T. GRCh37 (hg19) VCF-style: chr7-94040393-G-T.
Other names: short protein forms S426I.
Identifiers: ClinVar variation 837005 (VCV000837005.11), dbSNP rs376629202, ClinGen allele CA162921989.